The following is an entry in ClinVar:

NM_001613.4(ACTA2):c.855G>T (p.Met285Ile)

Genes: ACTA2 (actin alpha 2, smooth muscle; minus strand), ACTA2-AS1 (ACTA2 antisense RNA 1; plus strand). Cytogenetic location: 10q23.31.
Variant type: single nucleotide variant.
Coding change: c.855G>T on transcript NM_001613.4 (MANE Select); coding-DNA position 855, G replaced by T.
Protein change: p.Met285Ile; replaces methionine 285 with isoleucine.
Molecular consequence: missense variant.
Genome position (GRCh38, 1-based): chr10:88,938,196, C>A on the plus strand (G>T on the coding strand, the complement: ACTA2 is on the minus strand). VCF-style: chr10-88938196-C-A. GRCh37 (hg19) VCF-style: chr10-90697953-C-A.
Other names: p.M285I:ATG>ATT; c.855G>T, p.Met285Ile (NM_001141945.3, NM_001320855.2, NM_001406462.1 and 2 more transcripts); c.744G>T, p.Met248Ile (NM_001406466.1); c.726G>T, p.Met242Ile (NM_001406467.1, NM_001406468.1, NM_001406469.1); c.663G>T, p.Met221Ile (NM_001406471.1); short protein forms M285I, M221I, M242I, M248I.
Identifiers: ClinVar variation 199677 (VCV000199677.4), dbSNP rs794728030, ClinGen allele CA007058.

ClinVar aggregate classification (germline): Uncertain significance (1 of 4 stars; one submission).

Submission:

GeneDx
Classification: Uncertain significance. Last evaluated: 2014-04-01. Review status: criteria provided, single submitter. Criteria: GeneDx Variant Classification (06012015). Collection method: clinical testing. Allele origin: germline. Affected: yes.
Comment: p.Met285Ile (ATG>ATT): c.855 G>T in exon 8 of the ACTA2 gene (NM_001613.2). A variant of unknown significance has been identified in the ACTA2 gene. The M285I variant has not been published as a mutation or as a benign polymorphism to our knowledge. The M285I variant was not observed in approximately 6,500 individuals of European and African American ancestry in the NHLBI Exome Sequencing Project, indicating it is not a common benign variant in these populations. The M285I variant is a conservative amino acid substitution, which is not likely to impact secondary protein structure as these residues share similar properties. This substitution occurs at a position that is conserved across species. Missense mutations in nearby residues (G270E, R292G) have been reported in association with TAAD, supporting the functional importance of this region of the protein. Nevertheless, in silico analysis is inconsistent in its predictions as to whether or not the variant is damaging to the protein structure/function.Therefore, based on the currently available information, it is unclear whether this variant is a pathogenic mutation or a rare benign variant. The variant is found in TAAD panel(s).